The following is an entry in ClinVar:

NM_021167.5(GATAD1):c.770dup (p.Ala258fs)

Gene: GATAD1 (GATA zinc finger domain containing 1; plus strand). Cytogenetic location: 7q21.2.
Variant type: Duplication.
Coding change: c.770dup on transcript NM_021167.5 (MANE Select); coding-DNA position 770, one base duplicated (C; older notation c.770dupC).
Protein change: p.Ala258fs; shifts the reading frame from alanine 258.
Molecular consequence: frameshift variant. On other transcripts: non-coding transcript variant (1).
Genome position (GRCh38, 1-based): chr7:92,456,522, C duplicated; the last of 2 consecutive C bases (chr7:92,456,521-92,456,522); duplicating either gives the same sequence. VCF-style (leftmost placement, unchanged base first): chr7-92456520-T-TC. GRCh37 (hg19) VCF-style: chr7-92085834-T-TC.
Other names: short protein forms A258fs.
Identifiers: ClinVar variation 2754272 (VCV002754272.3), dbSNP rs2484541536, ClinGen allele CA2683712501.
Genomic context (GRCh38, chr7:92,456,520, plus strand): 5'-ATTTCCCACAGTTCCCACCAGACCAGAGAAGGGCTACATATGGACTCATGTTGGGCCTAC[T>TC]CCTGCAATAACAATTAAGGAATCAGTTGCCAACCATTTGTAGTTCACAAATTAAAACTGG-3'

ClinVar aggregate classification (germline): Uncertain significance (1 of 4 stars; one submission).

Conditions:
Dilated cardiomyopathy 2B. Identifiers: Orphanet 154, MedGen C3553409, MONDO:0013848, OMIM 614672.

Submission:

Labcorp Genetics (formerly Invitae), Labcorp
Classification: Uncertain significance for Dilated cardiomyopathy 2B. Last evaluated: 2023-11-27. Review status: criteria provided, single submitter. Criteria: Invitae Variant Classification Sherloc (09022015). Collection method: clinical testing. Allele origin: germline.
Comment: This sequence change creates a premature translational stop signal (p.Ala258Cysfs*5) in the GATAD1 gene. While this is not anticipated to result in nonsense mediated decay, it is expected to disrupt the last 12 amino acid(s) of the GATAD1 protein. This variant is not present in population databases (gnomAD no frequency). This variant has not been reported in the literature in individuals affected with GATAD1-related conditions. In summary, the available evidence is currently insufficient to determine the role of this variant in disease. Therefore, it has been classified as a Variant of Uncertain Significance.